The following is an entry in ClinVar:

NM_001042492.3(NF1):c.2938T>A (p.Ser980Thr)

Gene: NF1 (neurofibromin 1; plus strand). Cytogenetic location: 17q11.2.
Variant type: single nucleotide variant.
Coding change: c.2938T>A on transcript NM_001042492.3 (MANE Select); coding-DNA position 2938, T replaced by A.
Protein change: p.Ser980Thr; replaces serine 980 with threonine.
Molecular consequence: missense variant.
Genome position (GRCh38, 1-based): chr17:31,229,922, T>A. VCF-style: chr17-31229922-T-A. GRCh37 (hg19) VCF-style: chr17-29556940-T-A.
Other names: c.2938T>A, p.Ser980Thr (NM_000267.4); short protein forms S980T.
Identifiers: ClinVar variation 3237705 (VCV003237705.1), dbSNP rs2151430710.

ClinVar aggregate classification (germline): Uncertain significance (1 of 4 stars; one submission).

Conditions:
Hereditary cancer-predisposing syndrome. Also called: Neoplastic Syndromes, Hereditary; Tumor predisposition; Hereditary neoplastic syndrome; Hereditary Cancer Syndrome. Identifiers: Orphanet 140162, MedGen C0027672, MeSH D009386, MONDO:0015356.
Cardiovascular phenotype. Identifiers: MedGen CN230736.

Submission:

Ambry Genetics
Classification: Uncertain significance for Cardiovascular phenotype; Hereditary cancer-predisposing syndrome. Last evaluated: 2023-09-14. Review status: criteria provided, single submitter. Criteria: Ambry Variant Classification Scheme 2023. Collection method: clinical testing. Allele origin: germline.
Comment: The p.S980T variant (also known as c.2938T>A), located in coding exon 22 of the NF1 gene, results from a T to A substitution at nucleotide position 2938. The serine at codon 980 is replaced by threonine, an amino acid with similar properties. This amino acid position is conserved. In addition, the in silico prediction for this alteration is inconclusive. Since supporting evidence is limited at this time, the clinical significance of this alteration remains unclear.